The following is an entry in ClinVar:

NM_003244.4(TGIF1):c.496G>A (p.Val166Ile)

Gene: TGIF1 (TGFB induced factor homeobox 1; plus strand). Cytogenetic location: 18p11.31.
Variant type: single nucleotide variant.
Coding change: c.496G>A on transcript NM_003244.4 (MANE Select); coding-DNA position 496, G replaced by A.
Protein change: p.Val166Ile; replaces valine 166 with isoleucine.
Molecular consequence: missense variant.
Genome position (GRCh38, 1-based): chr18:3,457,617, G>A. VCF-style: chr18-3457617-G-A. GRCh37 (hg19) VCF-style: chr18-3457615-G-A.
Other names: c.505G>A, p.Val169Ile (NM_001278682.2); c.496G>A, p.Val166Ile (NM_001278684.2, NM_173208.3); c.436G>A, p.Val146Ile (NM_001278686.3, NM_001374396.1, NM_001374397.1 and 5 more transcripts); c.538G>A, p.Val180Ile (NM_173207.4); short protein forms V166I, V169I, V180I, V146I.
Identifiers: ClinVar variation 1482593 (VCV001482593.6), dbSNP rs372737398, ClinGen allele CA8875966.
Genomic context (GRCh38, chr18:3,457,617, plus strand): 5'-GCTGGGCCAAACCCAACCCTAGGGAGGCCACTGTCTCCTAAGCCGTCATCCCCGGGATCA[G>A]TTTTGGCTCGTCCATCAGTGATCTGCCATACCACTGTGACTGCATTGAAAGATGTCCCTT-3'
Protein context (NP_003235.1, residues 156-176): LSPKPSSPGS[Val166Ile]LARPSVICHT

ClinVar aggregate classification (germline): Uncertain significance (1 of 4 stars; one submission).

Conditions:
Holoprosencephaly 4 (HPE4). Identifiers: Orphanet 2162, MedGen C1840528, MONDO:0007734, OMIM 142946.

Allele frequency attached by ClinVar (database versions not stated): gnomAD exomes 0.00001 and 0.00002; ExAC 0.00002; TOPMed 0.00007; ESP Exome Variant Server 0.00008; gnomAD 0.00010 and 0.00011.
gnomAD v4.1: 24 of 1,614,102 alleles (0.0015%); highest among the groups gnomAD compares: African/African-American, 0.029%; no homozygotes.

Submission:

Labcorp Genetics (formerly Invitae), Labcorp
Classification: Uncertain significance for Holoprosencephaly 4. Last evaluated: 2025-07-23. Review status: criteria provided, single submitter. Criteria: Invitae Variant Classification Sherloc (09022015). Collection method: clinical testing. Allele origin: germline.
Comment: This sequence change replaces valine, which is neutral and non-polar, with isoleucine, which is neutral and non-polar, at codon 166 of the TGIF1 protein (p.Val166Ile). This variant is present in population databases (rs372737398, gnomAD 0.03%). This variant has not been reported in the literature in individuals affected with TGIF1-related conditions. ClinVar contains an entry for this variant (Variation ID: 1482593). Invitae Evidence Modeling of protein sequence and biophysical properties (such as structural, functional, and spatial information, amino acid conservation, physicochemical variation, residue mobility, and thermodynamic stability) indicates that this missense variant is not expected to disrupt TGIF1 protein function with a negative predictive value of 80%. In summary, the available evidence is currently insufficient to determine the role of this variant in disease. Therefore, it has been classified as a Variant of Uncertain Significance.